The following is an entry in ClinVar:

ClinVar aggregate classification (germline): Conflicting classifications of pathogenicity. Review status: criteria provided, conflicting classifications (1 of 4 stars). 4 submissions from 4 submitters: Uncertain significance (1); Likely benign (2). 1 of the submissions does not count toward it. Last evaluated 2024-11-25.

Conditions:
PRPF3-related disorder. Also called: PRPF3-related condition.

Allele frequency attached by ClinVar (database versions not stated): ExAC 0.00006; gnomAD exomes 0.00006 and 0.00010; TOPMed 0.00008; gnomAD 0.00009.
gnomAD v4.1: 155 of 1,613,952 alleles (0.0096%); highest among the groups gnomAD compares: Non-Finnish European, 0.012%; no homozygotes.

Submissions (4):

Blueprint Genetics
Classification: Likely benign. Last evaluated: 2024-11-25. Review status: criteria provided, single submitter. Criteria: ACMG Guidelines, 2015. Collection method: clinical testing. Allele origin: germline.

Labcorp Genetics (formerly Invitae), Labcorp
Classification: Likely benign. Last evaluated: 2024-11-18. Review status: criteria provided, single submitter. Criteria: Invitae Variant Classification Sherloc (09022015). Collection method: clinical testing. Allele origin: germline.

Eurofins Ntd Llc (ga)
Classification: Uncertain significance. Last evaluated: 2015-01-30. Review status: criteria provided, single submitter. Criteria: EGL Classification Definitions 2015. Collection method: clinical testing. Allele origin: germline. Observed: 1 variant allele, 1 heterozygote.

PreventionGenetics, part of Exact Sciences
Classification: Likely benign for PRPF3-related condition. Last evaluated: 2019-09-18. Review status: no assertion criteria provided. Collection method: clinical testing. Allele origin: germline. Not counted in ClinVar's aggregate classification.
Comment: This variant is classified as likely benign based on ACMG/AMP sequence variant interpretation guidelines (Richards et al. 2015 PMID: 25741868, with internal and published modifications).

NM_004698.4(PRPF3):c.957T>C (p.Pro319=)

Gene: PRPF3 (pre-mRNA processing factor 3; plus strand). Cytogenetic location: 1q21.2.
Variant type: single nucleotide variant.
Coding change: c.957T>C on transcript NM_004698.4 (MANE Select); coding-DNA position 957, T replaced by C.
Protein change: p.Pro319=; no amino-acid change (proline 319 retained).
Molecular consequence: synonymous variant. On other transcripts: non-coding transcript variant (4).
Genome position (GRCh38, 1-based): chr1:150,335,163, T>C. VCF-style: chr1-150335163-T-C. GRCh37 (hg19) VCF-style: chr1-150307634-T-C.
Other names: c.552T>C, p.Pro184= (NM_001350529.1).
Identifiers: ClinVar variation 198519 (VCV000198519.17), dbSNP rs199721048, ClinGen allele CA247202.
Genomic context (GRCh38, chr1:150,335,163, plus strand): 5'-AAAGCCATCAGAAGACATGGAATCCAATACCTTTTTTGACCCCCGAGTCTCCATTGCCCC[T>C]TCCCAGCGCCAGAGACGCACTTTTAAATTCCATGACAAGGGCAAATTTGAGAAGATTGCT-3'
Protein context (NP_004689.1, residues 309-329): TFFDPRVSIA[Pro319=]SQRQRRTFKF